The following is an entry in ClinVar:

NM_000188.3(HK1):c.2264G>A (p.Arg755His)

Gene: HK1 (hexokinase 1; plus strand). Cytogenetic location: 10q22.1.
Variant type: single nucleotide variant.
Coding change: c.2264G>A on transcript NM_000188.3 (MANE Select); coding-DNA position 2264, G replaced by A.
Protein change: p.Arg755His; replaces arginine 755 with histidine.
Molecular consequence: missense variant.
Genome position (GRCh38, 1-based): chr10:69,394,994, G>A. VCF-style: chr10-69394994-G-A. GRCh37 (hg19) VCF-style: chr10-71154750-G-A.
Other names: c.2276G>A, p.Arg759His (NM_001322364.2, NM_001358263.1, NM_033497.3 and 1 more transcripts); c.2369G>A, p.Arg790His (NM_001322365.2); c.2180G>A, p.Arg727His (NM_001322366.1); c.2168G>A, p.Arg723His (NM_001322367.1); c.2261G>A, p.Arg754His (NM_033496.3); c.2228G>A, p.Arg743His (NM_033500.2); short protein forms R723H, R727H, R743H, R754H, R755H, R759H, R790H.
Identifiers: ClinVar variation 3603475 (VCV003603475.2).

ClinVar aggregate classification (germline): Uncertain significance (1 of 4 stars; one submission).

gnomAD v4.1: 4 of 1,613,974 alleles (0.00025%); highest among the groups gnomAD compares: Non-Finnish European, 0.00034%; no homozygotes.

Submission:

Labcorp Genetics (formerly Invitae), Labcorp
Classification: Uncertain significance. Last evaluated: 2025-01-26. Review status: criteria provided, single submitter. Criteria: Invitae Variant Classification Sherloc (09022015). Collection method: clinical testing. Allele origin: germline.
Comment: This sequence change replaces arginine, which is basic and polar, with histidine, which is basic and polar, at codon 755 of the HK1 protein (p.Arg755His). This variant is present in population databases (no rsID available, gnomAD 0.0009%). This variant has not been reported in the literature in individuals affected with HK1-related conditions. Invitae Evidence Modeling of protein sequence and biophysical properties (such as structural, functional, and spatial information, amino acid conservation, physicochemical variation, residue mobility, and thermodynamic stability) has been performed for this missense variant. However, the output from this modeling did not meet the statistical confidence thresholds required to predict the impact of this variant on HK1 protein function. In summary, the available evidence is currently insufficient to determine the role of this variant in disease. Therefore, it has been classified as a Variant of Uncertain Significance.